The following is an entry in ClinVar:

NM_014629.4(ARHGEF10):c.3202del (p.Val1068fs)

Gene: ARHGEF10 (Rho guanine nucleotide exchange factor 10; plus strand). Cytogenetic location: 8p23.3.
Variant type: Deletion.
Coding change: c.3202del on transcript NM_014629.4 (MANE Select); coding-DNA position 3202, one base deleted (G; older notation c.3202delG).
Protein change: p.Val1068fs; shifts the reading frame from valine 1068.
Molecular consequence: frameshift variant.
Genome position (GRCh38, 1-based): chr8:1,933,922, G deleted. VCF-style (leftmost placement, unchanged base first): chr8-1933921-TG-T. GRCh37 (hg19) VCF-style: chr8-1882087-TG-T.
Other names: c.3088del, p.Val1030fs (NM_001308152.2); c.3202delG, p.Val1068Trpfs (NM_001308153.3); short protein forms V1068fs, V1092fs, V1030fs.
Identifiers: ClinVar variation 1945819 (VCV001945819.7), dbSNP rs1456002827, ClinGen allele CA579303487.

ClinVar aggregate classification (germline): Uncertain significance. Review status: criteria provided, multiple submitters, no conflicts (2 of 4 stars). 2 submissions from 2 submitters: Uncertain significance (2). Last evaluated 2024-12-06.

Allele frequency attached by ClinVar (database versions not stated): gnomAD exomes below 0.00001; gnomAD 0.00001.

Submissions (2):

Dasa
Classification: Uncertain significance. Last evaluated: 2024-12-06. Review status: criteria provided, single submitter. Criteria: DASA Assertion Criteria. Collection method: clinical testing. Allele origin: germline.
Comment: NM_014629.4(ARHGEF10):c.3202del (p.Val1068Trpfs*6) is a frameshift variant in ARHGEF10 predicted to alter the reading frame and introduce a premature termination codon. This variant is rare in population databases. The currently available literature and clinical evidence are not sufficient to establish a definitive association between this variant and the reported condition. Therefore, this variant is classified as a variant of uncertain significance.

Labcorp Genetics (formerly Invitae), Labcorp
Classification: Uncertain significance. Last evaluated: 2022-02-20. Review status: criteria provided, single submitter. Criteria: Invitae Variant Classification Sherloc (09022015). Collection method: clinical testing. Allele origin: germline.
Comment: In summary, the available evidence is currently insufficient to determine the role of this variant in disease. Therefore, it has been classified as a Variant of Uncertain Significance. This variant has not been reported in the literature in individuals affected with ARHGEF10-related conditions. This variant is present in population databases (no rsID available, gnomAD 0.03%). This sequence change creates a premature translational stop signal (p.Val1068Trpfs*6) in the ARHGEF10 gene. It is expected to result in an absent or disrupted protein product. However, the current clinical and genetic evidence is not sufficient to establish whether loss-of-function variants in ARHGEF10 cause disease.